The following is an entry in ClinVar:

ClinVar aggregate classification (germline): Uncertain significance (1 of 4 stars; one submission).

Submission:

Ambry Genetics
Classification: Uncertain significance. Last evaluated: 2026-07-18. Review status: criteria provided, single submitter. Criteria: Ambry Variant Classification Scheme 2023. Collection method: clinical testing. Allele origin: germline.
Comment: The p.W220R variant (also known as c.658T>C), located in coding exon 5 of the RINT1 gene, results from a T to C substitution at nucleotide position 658. The tryptophan at codon 220 is replaced by arginine, an amino acid with dissimilar properties. This amino acid position is conserved. In addition, this alteration is predicted to be deleterious by in silico analysis. Based on the available evidence, the clinical significance of this variant remains unclear.

NM_021930.6(RINT1):c.658T>C (p.Trp220Arg)

Gene: RINT1 (RAD50 interactor 1; plus strand). Cytogenetic location: 7q22.3.
Variant type: single nucleotide variant.
Coding change: c.658T>C on transcript NM_021930.6 (MANE Select); coding-DNA position 658, T replaced by C.
Protein change: p.Trp220Arg; replaces tryptophan 220 with arginine.
Molecular consequence: missense variant. On other transcripts: 5 prime UTR variant (2), non-coding transcript variant (1), intron variant (1).
Genome position (GRCh38, 1-based): chr7:105,547,052, T>C. VCF-style: chr7-105547052-T-C. GRCh37 (hg19) VCF-style: chr7-105187499-T-C.
Other names: c.424T>C, p.Trp142Arg (NM_001346599.2); c.-362T>C (NM_001346600.2); c.-265T>C (NM_001346601.2); c.-27-3003T>C (NM_001346603.2); short protein forms W220R, W142R.
Identifiers: ClinVar variation 5028282 (VCV005028282.1).